The following is an entry in ClinVar:

NM_001453.3(FOXC1):c.215_655del (p.Gln72_Pro218del)

Genes: FOXC1 (forkhead box C1; plus strand), LOC129995601 (ATAC-STARR-seq lymphoblastoid active region 23864; plus strand). Cytogenetic location: 6p25.3.
Variant type: Deletion.
Coding change: c.215_655del on transcript NM_001453.3 (MANE Select); coding-DNA positions 215 to 655, 441 bases deleted.
Protein change: p.Gln72_Pro218del.
Molecular consequence: inframe deletion.
Genome position (GRCh38, 1-based): chr6:1,610,660-1,611,100, 441 bases deleted. GRCh37 (hg19): chr6:1,610,895-1,611,335.
Identifiers: ClinVar variation 4734449 (VCV004734449.1).

ClinVar aggregate classification (germline): Pathogenic (1 of 4 stars; one submission).

Conditions:
Axenfeld-Rieger syndrome type 3 (RIEG3). Also called: AXENFELD-RIEGER ANOMALY WITH CARDIAC DEFECTS AND/OR SENSORINEURAL HEARING LOSS. Identifiers: Orphanet 782, MedGen C2678503, MONDO:0011233, OMIM 602482.

Submission:

Labcorp Genetics (formerly Invitae), Labcorp
Classification: Pathogenic for Axenfeld-Rieger syndrome type 3. Last evaluated: 2025-12-30. Review status: criteria provided, single submitter. Criteria: Invitae Variant Classification Sherloc (09022015). Collection method: clinical testing. Allele origin: germline.
Comment: This variant, c.215_655del, results in the deletion of 147 amino acid(s) of the FOXC1 protein (p.Gln72_Pro218del), but otherwise preserves the integrity of the reading frame. This variant is not present in population databases (gnomAD no frequency). This variant has not been reported in the literature in individuals affected with FOXC1-related conditions. This variant disrupts a region of the FOXC1 protein in which other variant(s) (p.Leu86Phe) have been determined to be pathogenic (PMID: 14506133, 14578375, 17197537, 28513611, 32631953). This suggests that this is a clinically significant region of the protein, and that variants that disrupt it are likely to be disease-causing. For these reasons, this variant has been classified as Pathogenic.

Literature cited by the submitters: PubMed 14506133; PubMed 14578375; PubMed 17197537; PubMed 28513611; PubMed 32631953.